The following is an entry in ClinVar:

ClinVar aggregate classification (germline): Likely benign (1 of 4 stars; one submission).

Conditions:
NEK8-related disorder. Also called: NEK8-related condition.

gnomAD v4.1: 1 of 1,614,122 alleles (0.000062%); highest among the groups gnomAD compares: Non-Finnish European, 0.000085%; no homozygotes.

Submission:

PreventionGenetics, part of Exact Sciences
Classification: Likely benign for NEK8-related condition. Last evaluated: 2026-08-19. Review status: criteria provided, single submitter. Criteria: ACMG Guidelines, 2015. Collection method: clinical testing. Allele origin: germline.
Comment: This variant is classified as likely benign based on ACMG/AMP sequence variant interpretation guidelines (Richards et al. 2015 PMID: 25741868, with internal and published modifications).

NM_178170.3(NEK8):c.555C>T (p.Asp185=)

Gene: NEK8 (NIMA related kinase 8; plus strand). Cytogenetic location: 17q11.2.
Variant type: single nucleotide variant.
Coding change: c.555C>T on transcript NM_178170.3 (MANE Select); coding-DNA position 555, C replaced by T.
Protein change: p.Asp185=; no amino-acid change (aspartic acid 185 retained).
Molecular consequence: synonymous variant.
Genome position (GRCh38, 1-based): chr17:28,735,308, C>T. VCF-style: chr17-28735308-C-T. GRCh37 (hg19) VCF-style: chr17-27062326-C-T.
Identifiers: ClinVar variation 4993667 (VCV004993667.1).